The following is an entry in ClinVar:

ClinVar aggregate classification (germline): Conflicting classifications of pathogenicity. Review status: criteria provided, conflicting classifications (1 of 4 stars). 2 submissions from 2 submitters: Uncertain significance (1); Likely benign (1). Last evaluated 2025-07-07.

Conditions:
Aortic aneurysm, familial thoracic 7 (AAT7). Also called: AORTIC DISSECTION, FAMILIAL, WITH OR WITHOUT AORTIC ANEURYSM. Identifiers: MedGen C3151077, MONDO:0013418, OMIM 613780.
Familial thoracic aortic aneurysm and aortic dissection (TAAD). Also called: Thoracic aortic aneurysms and dissections. Identifiers: Orphanet 91387, MedGen C4707243, MONDO:0019625.

Allele frequency attached by ClinVar (database versions not stated): gnomAD exomes below 0.00001; TOPMed below 0.00001; gnomAD 0.00001.
gnomAD v4.1: 4 of 1,614,112 alleles (0.00025%); highest among the groups gnomAD compares: Non-Finnish European, 0.00017%; 1 homozygote.

Submissions (2):

Ambry Genetics
Classification: Likely benign for Familial thoracic aortic aneurysm and aortic dissection. Last evaluated: 2025-07-07. Review status: criteria provided, single submitter. Criteria: Ambry Variant Classification Scheme 2023. Collection method: clinical testing. Allele origin: germline.

Labcorp Genetics (formerly Invitae), Labcorp
Classification: Uncertain significance for Aortic aneurysm, familial thoracic 7. Last evaluated: 2020-12-01. Review status: criteria provided, single submitter. Criteria: Invitae Variant Classification Sherloc (09022015). Collection method: clinical testing. Allele origin: germline.
Comment: This variant has not been reported in the literature in individuals with MYLK-related disease. This sequence change replaces lysine with asparagine at codon 1485 of the MYLK protein (p.Lys1485Asn). The lysine residue is moderately conserved and there is a moderate physicochemical difference between lysine and asparagine. This variant is not present in population databases (ExAC no frequency). Algorithms developed to predict the effect of missense changes on protein structure and function do not agree on the potential impact of this missense change (SIFT: "Deleterious"; PolyPhen-2: "Benign"; Align-GVGD: "Class C0"). In summary, the available evidence is currently insufficient to determine the role of this variant in disease. Therefore, it has been classified as a Variant of Uncertain Significance.

NM_053025.4(MYLK):c.4455A>C (p.Lys1485Asn)

Gene: MYLK (myosin light chain kinase; minus strand). Cytogenetic location: 3q21.1.
Variant type: single nucleotide variant.
Coding change: c.4455A>C on transcript NM_053025.4 (MANE Select); coding-DNA position 4455, A replaced by C.
Protein change: p.Lys1485Asn; replaces lysine 1485 with asparagine.
Molecular consequence: missense variant.
Genome position (GRCh38, 1-based): chr3:123,647,388, T>G on the plus strand (A>C on the coding strand, the complement: MYLK is on the minus strand). VCF-style: chr3-123647388-T-G. GRCh37 (hg19) VCF-style: chr3-123366235-T-G.
Other names: c.3927A>C, p.Lys1309Asn (NM_001321309.2); c.4248A>C, p.Lys1416Asn (NM_053026.4, NM_053028.4); c.4455A>C, p.Lys1485Asn (NM_053027.4); c.4455A>C (NM_053025.3); short protein forms K1416N, K1309N, K1485N.
Identifiers: ClinVar variation 1519381 (VCV001519381.10), dbSNP rs941766411, ClinGen allele CA82918408.
Genomic context (GRCh38, chr3:123,647,388, plus strand): 5'-ATTCTCTTTCTCTTTTGCTGAATATGCCTTGAAGAACTTCCCTGCCCAGACTTTTCGAGT[T>G]TTCTTTTCTACAAGTCGAAAGACCTGTCCAAATTTCCCACTGCAAATGAAAGGGGGAGGA-3'
Protein context (NP_444253.3, residues 1475-1495): FGQVFRLVEK[Lys1485Asn]TRKVWAGKFF